The following is an entry in ClinVar:

ClinVar aggregate classification (germline): Uncertain significance (1 of 4 stars; one submission).

Submission:

Labcorp Genetics (formerly Invitae), Labcorp
Classification: Uncertain significance. Last evaluated: 2021-02-24. Review status: criteria provided, single submitter. Criteria: Invitae Variant Classification Sherloc (09022015). Collection method: clinical testing. Allele origin: germline.
Comment: This sequence change creates a premature translational stop signal (p.Val56Argfs*3) in the PSMB4 gene. It is expected to result in an absent or disrupted protein product. However, the current clinical and genetic evidence is not sufficient to establish whether loss-of-function variants in PSMB4 cause disease. This variant is not present in population databases (ExAC no frequency). This variant has not been reported in the literature in individuals with PSMB4-related conditions. In summary, the available evidence is currently insufficient to determine the role of this variant in disease. Therefore, it has been classified as a Variant of Uncertain Significance.

NM_002796.3(PSMB4):c.165_169del (p.Val56fs)

Gene: PSMB4 (proteasome 20S subunit beta 4; plus strand). Cytogenetic location: 1q21.3.
Variant type: Deletion.
Coding change: c.165_169del on transcript NM_002796.3 (MANE Select); coding-DNA positions 165 to 169, 5 bases deleted (AGTCC; older notation c.165_169delAGTCC).
Protein change: p.Val56fs; shifts the reading frame from valine 56.
Molecular consequence: frameshift variant.
Genome position (GRCh38, 1-based): chr1:151,400,005-151,400,009, AGTCC deleted; deleting any 5 consecutive bases within chr1:151,400,004-151,400,009 gives the same sequence; the c. name uses the placement nearest the transcript's 3' end. VCF-style (leftmost placement, unchanged base first): chr1-151400003-TCAGTC-T. GRCh37 (hg19) VCF-style: chr1-151372479-TCAGTC-T.
Other names: short protein forms V56fs.
Identifiers: ClinVar variation 1513288 (VCV001513288.6), dbSNP rs1159959038, ClinGen allele CA526660677.